The following is an entry in ClinVar:

NM_004260.4(RECQL4):c.3435G>C (p.Gln1145His)

Gene: RECQL4 (RecQ like helicase 4; minus strand). Cytogenetic location: 8q24.3.
Variant type: single nucleotide variant.
Coding change: c.3435G>C on transcript NM_004260.4 (MANE Select); coding-DNA position 3435, G replaced by C.
Protein change: p.Gln1145His; replaces glutamine 1145 with histidine.
Molecular consequence: missense variant.
Genome position (GRCh38, 1-based): chr8:144,511,748, C>G on the plus strand (G>C on the coding strand, the complement: RECQL4 is on the minus strand). VCF-style: chr8-144511748-C-G. GRCh37 (hg19) VCF-style: chr8-145737131-C-G.
Other names: short protein forms Q1145H.
Identifiers: ClinVar variation 135154 (VCV000135154.60), dbSNP rs61755066, ClinGen allele CA161865.

ClinVar aggregate classification (germline): Benign/Likely benign. Review status: criteria provided, multiple submitters, no conflicts (2 of 4 stars). 12 submissions from 12 submitters: Benign (2); Likely benign (6). 4 of the submissions do not count toward it. Last evaluated 2026-08-01.

Conditions:
Hereditary cancer-predisposing syndrome. Also called: Neoplastic Syndromes, Hereditary; Tumor predisposition; Hereditary neoplastic syndrome; Hereditary Cancer Syndrome. Identifiers: Orphanet 140162, MedGen C0027672, MeSH D009386, MONDO:0015356.
Baller-Gerold syndrome (BGS). Also called: CRANIOSYNOSTOSIS WITH RADIAL DEFECTS. Identifiers: Orphanet 1225, MedGen C0265308, MONDO:0009039, OMIM 218600.

Allele frequency attached by ClinVar (database versions not stated): 1000 Genomes Project 30x 0.00125; TOPMed 0.00226; gnomAD 0.00256 and 0.00261; 1000 Genomes Project 0.00120; ESP Exome Variant Server 0.00264; ExAC 0.00339.
gnomAD v4.1: 5,320 of 1,612,612 alleles (0.33%); highest among the groups gnomAD compares: Non-Finnish European, 0.38%; 14 homozygotes.

Submissions (12):

CeGaT Center for Human Genetics Tuebingen
Classification: Likely benign. Last evaluated: 2026-08-01. Review status: criteria provided, single submitter. Criteria: CeGaT Center For Human Genetics Tuebingen Variant Classification Criteria Version 2. Collection method: clinical testing. Allele origin: germline. Affected: yes. Observed: 21 variant alleles.
Comment: RECQL4: BP4, BS2

Labcorp Genetics (formerly Invitae), Labcorp
Classification: Benign for Baller-Gerold syndrome. Last evaluated: 2026-02-01. Review status: criteria provided, single submitter. Criteria: Invitae Variant Classification Sherloc (09022015). Collection method: clinical testing. Allele origin: germline.

Blueprint Genetics
Classification: Likely benign. Last evaluated: 2024-11-25. Review status: criteria provided, single submitter. Criteria: ACMG Guidelines, 2015. Collection method: clinical testing. Allele origin: germline.

Genetic Services Laboratory, University of Chicago
Classification: Likely benign. Last evaluated: 2021-11-21. Review status: criteria provided, single submitter. Criteria: ACMG Guidelines, 2015. Collection method: clinical testing. Allele origin: germline. Affected: no.

Sema4
Classification: Likely benign for Hereditary cancer-predisposing syndrome. Last evaluated: 2021-05-11. Review status: criteria provided, single submitter. Criteria: Sema4 Curation Guidelines. Collection method: curation. Allele origin: germline.

GeneDx
Classification: Likely benign. Last evaluated: 2020-09-16. Review status: criteria provided, single submitter. Criteria: GeneDx Variant Classification Process June 2021. Collection method: clinical testing. Allele origin: germline. Affected: yes.
Comment: In silico analysis, which includes protein predictors and evolutionary conservation, supports that this variant does not alter protein structure/function; This variant is associated with the following publications: (PMID: 27247962, 29220673, 24728327)

Eurofins Ntd Llc (ga)
Classification: Benign. Last evaluated: 2015-05-13. Review status: criteria provided, single submitter. Criteria: EGL Classification Definitions 2015. Collection method: clinical testing. Allele origin: germline. Observed: 1 variant allele, 1 heterozygote.

PreventionGenetics, part of Exact Sciences
Classification: Likely benign. Review status: criteria provided, single submitter. Criteria: ACMG Guidelines, 2015. Collection method: clinical testing. Allele origin: germline.

ITMI
No classification provided. Condition: AllHighlyPenetrant. Last evaluated: 2013-09-19. Review status: no classification provided. Collection method: reference population. Allele origin: germline. Not counted in ClinVar's aggregate classification.
Comment: Please see associated publication for description of ethnicities

Clinical Genetics DNA and cytogenetics Diagnostics Lab, Erasmus MC, Erasmus Medical Center
Classification: Likely benign. Review status: no assertion criteria provided. Collection method: clinical testing. Allele origin: germline. Affected: yes. Study: VKGL Data-share Consensus. Not counted in ClinVar's aggregate classification.

Genome Diagnostics Laboratory, Amsterdam University Medical Center
Classification: Likely benign. Review status: no assertion criteria provided. Collection method: clinical testing. Allele origin: germline. Affected: yes. Study: VKGL Data-share Consensus. Not counted in ClinVar's aggregate classification.

Laboratory of Diagnostic Genome Analysis, Leiden University Medical Center (LUMC)
Classification: Likely benign. Review status: no assertion criteria provided. Collection method: clinical testing. Allele origin: germline. Affected: yes. Study: VKGL Data-share Consensus. Not counted in ClinVar's aggregate classification.

Literature cited by the submitters: PubMed 24728327 (cited by ITMI).